The following is an entry in ClinVar:

ClinVar aggregate classification (germline): Conflicting classifications of pathogenicity. Review status: criteria provided, conflicting classifications (1 of 4 stars). 7 submissions from 7 submitters: Uncertain significance (1); Likely benign (5). 1 of the submissions does not count toward it. Last evaluated 2026-02-03.

Conditions:
Inborn genetic diseases. Identifiers: MedGen C0950123, MeSH D030342.
Fatty acyl-CoA reductase 1 deficiency. Also called: Peroxisomal fatty acyl-coa reductase 1 disorder. Identifiers: Orphanet 438178, MedGen C4015344, MONDO:0014510, OMIM 616154.
FAR1-related disorder. Also called: FAR1-related condition.

Allele frequency attached by ClinVar (database versions not stated): 1000 Genomes Project 0.00160; 1000 Genomes Project 30x 0.00187; TOPMed 0.00316; ESP Exome Variant Server 0.00362.
gnomAD v4.1: 6,714 of 1,600,088 alleles (0.42%); highest among the groups gnomAD compares: Admixed American, 0.56%; 20 homozygotes.

Submissions (7):

Labcorp Genetics (formerly Invitae), Labcorp
Classification: Likely benign. Last evaluated: 2026-02-03. Review status: criteria provided, single submitter. Criteria: Invitae Variant Classification Sherloc (09022015). Collection method: clinical testing. Allele origin: germline.

Mayo Clinic Laboratories, Mayo Clinic
Classification: Likely benign. Last evaluated: 2025-10-22. Review status: criteria provided, single submitter. Criteria: ACMG Guidelines, 2015. Collection method: clinical testing. Allele origin: germline. Observed: 4 variant alleles.
Comment: BS1, BP4_moderate

CeGaT Center for Human Genetics Tuebingen
Classification: Likely benign. Last evaluated: 2025-05-01. Review status: criteria provided, single submitter. Criteria: CeGaT Center For Human Genetics Tuebingen Variant Classification Criteria Version 2. Collection method: clinical testing. Allele origin: germline. Affected: yes. Observed: 3 variant alleles.
Comment: FAR1: BP4, BS2

Blueprint Genetics
Classification: Likely benign. Last evaluated: 2024-11-27. Review status: criteria provided, single submitter. Criteria: ACMG Guidelines, 2015. Collection method: clinical testing. Allele origin: germline.

Ambry Genetics
Classification: Likely benign for Inborn genetic diseases. Last evaluated: 2022-03-08. Review status: criteria provided, single submitter. Criteria: Ambry Variant Classification Scheme 2023. Collection method: clinical testing. Allele origin: germline.

Elsea Laboratory, Baylor College of Medicine
Classification: Uncertain significance for Fatty acyl-CoA reductase 1 deficiency. Last evaluated: 2020-04-01. Review status: criteria provided, single submitter. Criteria: ACMG Guidelines, 2015. Collection method: clinical testing. Allele origin: germline. Affected: no.

PreventionGenetics, part of Exact Sciences
Classification: Likely benign for FAR1-related condition. Last evaluated: 2022-02-03. Review status: no assertion criteria provided. Collection method: clinical testing. Allele origin: germline. Not counted in ClinVar's aggregate classification.
Comment: This variant is classified as likely benign based on ACMG/AMP sequence variant interpretation guidelines (Richards et al. 2015 PMID: 25741868, with internal and published modifications).

NM_032228.6(FAR1):c.286G>A (p.Glu96Lys)

Gene: FAR1 (fatty acyl-CoA reductase 1; plus strand). Cytogenetic location: 11p15.3.
Variant type: single nucleotide variant.
Coding change: c.286G>A on transcript NM_032228.6 (MANE Select); coding-DNA position 286, G replaced by A.
Protein change: p.Glu96Lys; replaces glutamic acid 96 with lysine.
Molecular consequence: missense variant.
Genome position (GRCh38, 1-based): chr11:13,700,413, G>A. VCF-style: chr11-13700413-G-A. GRCh37 (hg19) VCF-style: chr11-13721960-G-A.
Other names: p.Glu96Lys; short protein forms E96K.
Identifiers: ClinVar variation 719360 (VCV000719360.37), dbSNP rs12793516, ClinGen allele CA5893286.